The following is an entry in ClinVar:

NM_001232.4(CASQ2):c.189T>A (p.Asp63Glu)

Gene: CASQ2 (calsequestrin 2; minus strand). Cytogenetic location: 1p13.1.
Variant type: single nucleotide variant.
Coding change: c.189T>A on transcript NM_001232.4 (MANE Select); coding-DNA position 189, T replaced by A.
Protein change: p.Asp63Glu; replaces aspartic acid 63 with glutamic acid.
Molecular consequence: missense variant.
Genome position (GRCh38, 1-based): chr1:115,768,353, A>T on the plus strand (T>A on the coding strand, the complement: CASQ2 is on the minus strand). VCF-style: chr1-115768353-A-T. GRCh37 (hg19) VCF-style: chr1-116310974-A-T.
Other names: short protein forms D63E.
Identifiers: ClinVar variation 3339879 (VCV003339879.2).

ClinVar aggregate classification (germline): Uncertain significance. Review status: criteria provided, multiple submitters, no conflicts (2 of 4 stars). 2 submissions from 2 submitters: Uncertain significance (2). Last evaluated 2025-02-26.

Conditions:
Catecholaminergic polymorphic ventricular tachycardia 1. Also called: VENTRICULAR TACHYCARDIA, STRESS-INDUCED POLYMORPHIC 1; VENTRICULAR TACHYCARDIA, CATECHOLAMINERGIC POLYMORPHIC, 1, WITH OR WITHOUT ATRIAL DYSFUNCTION AND/OR DILATED CARDIOMYOPATHY; RYR2-Related Catecholaminergic Polymorphic Ventricular Tachycardia. Identifiers: Orphanet 3286, MedGen C1631597, MONDO:0011484, OMIM 604772.

Submissions (2):

Labcorp Genetics (formerly Invitae), Labcorp
Classification: Uncertain significance for Catecholaminergic polymorphic ventricular tachycardia 1. Last evaluated: 2025-02-26. Review status: criteria provided, single submitter. Criteria: Invitae Variant Classification Sherloc (09022015). Collection method: clinical testing. Allele origin: germline.
Comment: This sequence change replaces aspartic acid, which is acidic and polar, with glutamic acid, which is acidic and polar, at codon 63 of the CASQ2 protein (p.Asp63Glu). This variant is not present in population databases (gnomAD no frequency). This missense change has been observed in individual(s) with clinical features of CASQ2-related conditions (PMID: 17655857). ClinVar contains an entry for this variant (Variation ID: 3339879). Invitae Evidence Modeling of protein sequence and biophysical properties (such as structural, functional, and spatial information, amino acid conservation, physicochemical variation, residue mobility, and thermodynamic stability) has been performed for this missense variant. However, the output from this modeling did not meet the statistical confidence thresholds required to predict the impact of this variant on CASQ2 protein function. In summary, the available evidence is currently insufficient to determine the role of this variant in disease. Therefore, it has been classified as a Variant of Uncertain Significance.

Women's Health and Genetics/Laboratory Corporation of America, LabCorp
Classification: Uncertain significance. Last evaluated: 2024-06-21. Review status: criteria provided, single submitter. Criteria: LabCorp Variant Classification Summary - May 2015. Collection method: clinical testing. Allele origin: germline.
Comment: Variant summary: CASQ2 c.189T>A (p.Asp63Glu) results in a conservative amino acid change located in the Calsequestrin, N-terminal TRX-fold domain (IPR041859) of the encoded protein sequence. Three of five in-silico tools predict a benign effect of the variant on protein function. The variant was absent in 251334 control chromosomes. The available data on variant occurrences in the general population are insufficient to allow any conclusion about variant significance. To our knowledge, no occurrence of c.189T>A in individuals affected with Catecholaminergic Polymorphic Ventricular Tachycardia and no experimental evidence demonstrating its impact on protein function have been reported. No submitters have cited clinical-significance assessments for this variant to ClinVar. Based on the evidence outlined above, the variant was classified as uncertain significance.

Literature cited by the submitters: PubMed 17655857 (cited by Labcorp Genetics (formerly Invitae), Labcorp).